The following is an entry in ClinVar:

ClinVar aggregate classification (germline): Likely benign (0 of 4 stars; one submission).

Conditions:
BCOR-related disorder. Also called: BCOR-related disorders; BCOR-related condition.

Allele frequency attached by ClinVar (database versions not stated): ExAC 0.00002; gnomAD exomes 0.00003; ESP Exome Variant Server 0.00009; gnomAD 0.00002; TOPMed 0.00002.
gnomAD v4.1: 36 of 1,208,320 alleles (0.003%); highest among the groups gnomAD compares: Non-Finnish European, 0.0036%; no homozygotes.

Submission:

PreventionGenetics, part of Exact Sciences
Classification: Likely benign for BCOR-related condition. Last evaluated: 2019-06-12. Review status: no assertion criteria provided. Collection method: clinical testing. Allele origin: germline.
Comment: This variant is classified as likely benign based on ACMG/AMP sequence variant interpretation guidelines (Richards et al. 2015 PMID: 25741868, with internal and published modifications).

NM_001123385.2(BCOR):c.3120C>T (p.Asp1040=)

Gene: BCOR (BCL6 corepressor; minus strand). Cytogenetic location: Xp11.4.
Variant type: single nucleotide variant.
Coding change: c.3120C>T on transcript NM_001123385.2 (MANE Select); coding-DNA position 3120, C replaced by T.
Protein change: p.Asp1040=; no amino-acid change (aspartic acid 1040 retained).
Molecular consequence: synonymous variant.
Genome position (GRCh38, 1-based): chrX:40,071,091, G>A on the plus strand (C>T on the coding strand, the complement: BCOR is on the minus strand). VCF-style: chrX-40071091-G-A. GRCh37 (hg19) VCF-style: chrX-39930344-G-A.
Other names: c.3120C>T, p.Asp1040= (NM_017745.6, NM_001123383.2); c.3066C>T, p.Asp1022= (NM_001123384.2).
Identifiers: ClinVar variation 3033835 (VCV003033835.2), dbSNP rs141346685, ClinGen allele CA10386692.